The following is an entry in ClinVar:

NM_201384.3(PLEC):c.10972A>C (p.Ile3658Leu)

Gene: PLEC (plectin; minus strand). Cytogenetic location: 8q24.3.
Variant type: single nucleotide variant.
Coding change: c.10972A>C on transcript NM_201384.3 (MANE Select); coding-DNA position 10972, A replaced by C.
Protein change: p.Ile3658Leu; replaces isoleucine 3658 with leucine.
Molecular consequence: missense variant.
Genome position (GRCh38, 1-based): chr8:143,918,849, T>G on the plus strand (A>C on the coding strand, the complement: PLEC is on the minus strand). VCF-style: chr8-143918849-T-G. GRCh37 (hg19) VCF-style: chr8-144993017-T-G.
Other names: c.11053A>C, p.Ile3685Leu (NM_000445.5); c.7672A>C, p.Ile2558Leu (NM_001410941.1); c.10930A>C, p.Ile3644Leu (NM_201378.4); c.10906A>C, p.Ile3636Leu (NM_201379.3); c.11383A>C, p.Ile3795Leu (NM_201380.4); c.10876A>C, p.Ile3626Leu (NM_201381.3); c.10972A>C, p.Ile3658Leu (NM_201382.4); c.10984A>C, p.Ile3662Leu (NM_201383.3); short protein forms I3658L, I2558L, I3662L, I3685L, I3636L, I3644L, I3626L, I3795L.
Identifiers: ClinVar variation 3307471 (VCV003307471.3).

ClinVar aggregate classification (germline): Uncertain significance. Review status: criteria provided, multiple submitters, no conflicts (2 of 4 stars). 2 submissions from 2 submitters: Uncertain significance (2). Last evaluated 2025-07-23.

Conditions:
Epidermolysis bullosa simplex with nail dystrophy (EBS5D). Identifiers: MedGen C4225309, MONDO:0014661, OMIM 616487.
Epidermolysis bullosa simplex, Ogna type (EBS5A). Also called: Pidermolysis bullosa simplex 5A, Ogna type; EPIDERMOLYSIS BULLOSA SIMPLEX 5A, OGNA TYPE. Identifiers: Orphanet 79401, MedGen C0432317, MONDO:0007555, OMIM 131950.
Autosomal recessive limb-girdle muscular dystrophy type 2Q (LGMDR17). Also called: MUSCULAR DYSTROPHY, LIMB-GIRDLE, AUTOSOMAL RECESSIVE 17. Identifiers: Orphanet 254361, MedGen C3150989, MONDO:0013390, OMIM 613723.
Epidermolysis bullosa simplex 5B, with muscular dystrophy (EBS5B). Also called: EPIDERMOLYSIS BULLOSA SIMPLEX AND LIMB-GIRDLE MUSCULAR DYSTROPHY; Epidermolysis bullosa simplex with muscular dystrophy. Identifiers: Orphanet 257, MedGen C2931072, MONDO:0009181, OMIM 226670.
Epidermolysis bullosa simplex 5C, with pyloric atresia (EBS5C). Also called: PLEC-Related Epidermolysis Bullosa with Pyloric Atresia; Epidermolysis bullosa simplex with pyloric atresia; PLEC1-Related Epidermolysis Bullosa with Pyloric Atresia. Identifiers: Orphanet 158684, MedGen C2677349, MONDO:0012807, OMIM 612138.
Inborn genetic diseases. Identifiers: MedGen C0950123, MeSH D030342.

gnomAD v4.1: 7 of 1,612,948 alleles (0.00043%); highest among the groups gnomAD compares: Non-Finnish European, 0.00059%; no homozygotes.

Submissions (2):

Labcorp Genetics (formerly Invitae), Labcorp
Classification: Uncertain significance for Autosomal recessive limb-girdle muscular dystrophy type 2Q; Epidermolysis bullosa simplex, Ogna type; Epidermolysis bullosa simplex with nail dystrophy; Epidermolysis bullosa simplex 5C, with pyloric atresia; Epidermolysis bullosa simplex 5B, with muscular dystrophy. Last evaluated: 2025-07-23. Review status: criteria provided, single submitter. Criteria: Invitae Variant Classification Sherloc (09022015). Collection method: clinical testing. Allele origin: germline.
Comment: This sequence change replaces isoleucine, which is neutral and non-polar, with leucine, which is neutral and non-polar, at codon 3685 of the PLEC protein (p.Ile3685Leu). This variant is present in population databases (rs781989795, gnomAD 0.003%). This variant has not been reported in the literature in individuals affected with PLEC-related conditions. ClinVar contains an entry for this variant (Variation ID: 3307471). An algorithm developed to predict the effect of missense changes on protein structure and function (PolyPhen-2) suggests that this variant is likely to be tolerated. In summary, the available evidence is currently insufficient to determine the role of this variant in disease. Therefore, it has been classified as a Variant of Uncertain Significance.

Ambry Genetics
Classification: Uncertain significance for Inborn genetic diseases. Last evaluated: 2024-06-10. Review status: criteria provided, single submitter. Criteria: Ambry Variant Classification Scheme 2023. Collection method: clinical testing. Allele origin: germline.